The following is an entry in ClinVar:

ClinVar aggregate classification (germline): Uncertain significance. Review status: criteria provided, multiple submitters, no conflicts (2 of 4 stars). 2 submissions from 2 submitters: Uncertain significance (2). Last evaluated 2022-04-01.

Conditions:
Long QT syndrome (LQTS). Identifiers: MedGen C0023976, MeSH D008133, MONDO:0002442. Disease mechanism: loss of function. Inheritance: Various modes of inheritance.

Submissions (2):

Labcorp Genetics (formerly Invitae), Labcorp
Classification: Uncertain significance for Long QT syndrome. Last evaluated: 2022-04-01. Review status: criteria provided, single submitter. Criteria: Invitae Variant Classification Sherloc (09022015). Collection method: clinical testing. Allele origin: germline.
Comment: In summary, the available evidence is currently insufficient to determine the role of this variant in disease. Therefore, it has been classified as a Variant of Uncertain Significance. Algorithms developed to predict the effect of sequence changes on RNA splicing suggest that this variant may create or strengthen a splice site. Algorithms developed to predict the effect of missense changes on protein structure and function (SIFT, PolyPhen-2, Align-GVGD) all suggest that this variant is likely to be tolerated. This variant has not been reported in the literature in individuals affected with KCNH2-related conditions. This variant is not present in population databases (gnomAD no frequency). This sequence change replaces asparagine, which is neutral and polar, with serine, which is neutral and polar, at codon 33 of the KCNH2 protein (p.Asn33Ser).

AiLife Diagnostics
Classification: Uncertain significance. Last evaluated: 2021-09-01. Review status: criteria provided, single submitter. Criteria: ACMG Guidelines, 2015. Collection method: clinical testing. Allele origin: germline. Affected: yes. Observed: 1 variant allele.

NM_000238.4(KCNH2):c.98A>G (p.Asn33Ser)

Gene: KCNH2 (potassium voltage-gated channel subfamily H member 2; minus strand). Cytogenetic location: 7q36.1.
Variant type: single nucleotide variant.
Coding change: c.98A>G on transcript NM_000238.4 (MANE Select); coding-DNA position 98, A replaced by G.
Protein change: p.Asn33Ser; replaces asparagine 33 with serine.
Molecular consequence: missense variant.
Genome position (GRCh38, 1-based): chr7:150,974,920, T>C on the plus strand (A>G on the coding strand, the complement: KCNH2 is on the minus strand). VCF-style: chr7-150974920-T-C. GRCh37 (hg19) VCF-style: chr7-150672008-T-C.
Other names: c.-80A>G (NM_001406755.1); c.98A>G, p.Asn33Ser (NM_172056.3); short protein forms N33S.
Identifiers: ClinVar variation 1677478 (VCV001677478.7), dbSNP rs199473487, ClinGen allele CA369865980.